The following is an entry in ClinVar:

Single allele

Gene: DMD (dystrophin; minus strand). Cytogenetic location: Xp21.1.
Variant type: Duplication.
Identifiers: ClinVar variation 4682464 (VCV004682464.1).

ClinVar aggregate classification (germline): Pathogenic (1 of 4 stars; one submission).

Submission:

Athena Diagnostics
Classification: Pathogenic. Last evaluated: 2025-04-18. Review status: criteria provided, single submitter. Criteria: Athena Diagnostics Criteria. Collection method: clinical testing. Allele origin: unknown.
Comment: This variant is expected to result in the loss of a functional protein. Similar duplications of DMD exon 2 have not been reported in large, multi-ethnic general populations (Genome Aggregation Database (gnomAD), Cambridge, MA (URL)). This variant is likely inserted in tandem within the DMD gene (PMID: 25640679) and, if so, would severely disrupt protein function. Similar duplications of exon 2 have been reported primarily in patients with Duchenne muscular dystrophy (DMD), and also in individuals with Becker muscular dystrophy (BMD), and to a lesser extent, an intermediate dystrophinopathy (PMID: 34937785). The variant is located in a region that is considered important for protein function and/or structure.

Literature cited by the submitters: PubMed 18853462; PubMed 23588064; PubMed 27750387; PubMed 12111668; PubMed 28181689; PubMed 28332368; PubMed 19937601; PubMed 17253928; PubMed 16331671; PubMed 15684864; PubMed 17259292; PubMed 15643612; PubMed 15841391; PubMed 16834926; PubMed 9628192; PubMed 18752307; PubMed 18683213; PubMed 17561468; PubMed 19040728; PubMed 19367636; PubMed 25244321; PubMed 33644936; PubMed 38504154; PubMed 35093299; PubMed 36361501; PubMed 34297739; PubMed 39198981; PubMed 34629887; PubMed 39565433; PubMed 38850354; PubMed 32194622; PubMed 31705731; PubMed 32358784; PubMed 34327855; PubMed 39499670; PubMed 34679607; PubMed 37716855; PubMed 34149409; PubMed 33101180; PubMed 32962870; PubMed 36420217; PubMed 26284620; PubMed 34937785; PubMed 16917894; PubMed 27854217; PubMed 31139960; PubMed 28859693; PubMed 28610567; PubMed 28116794; PubMed 27593222; PubMed 20036901.